The following is an entry in ClinVar:

ClinVar aggregate classification (germline): Uncertain significance (1 of 4 stars; one submission).

Submission:

Labcorp Genetics (formerly Invitae), Labcorp
Classification: Uncertain significance. Last evaluated: 2022-04-25. Review status: criteria provided, single submitter. Criteria: Invitae Variant Classification Sherloc (09022015). Collection method: clinical testing. Allele origin: germline.
Comment: This variant is not present in population databases (gnomAD no frequency). This sequence change replaces alanine, which is neutral and non-polar, with aspartic acid, which is acidic and polar, at codon 552 of the KMT2A protein (p.Ala552Asp). This variant has not been reported in the literature in individuals affected with KMT2A-related conditions. In summary, the available evidence is currently insufficient to determine the role of this variant in disease. Therefore, it has been classified as a Variant of Uncertain Significance. Advanced modeling of protein sequence and biophysical properties (such as structural, functional, and spatial information, amino acid conservation, physicochemical variation, residue mobility, and thermodynamic stability) performed at Invitae indicates that this missense variant is not expected to disrupt KMT2A protein function.

NM_001197104.2(KMT2A):c.1655C>A (p.Ala552Asp)

Gene: KMT2A (lysine methyltransferase 2A; plus strand). Cytogenetic location: 11q23.3.
Variant type: single nucleotide variant.
Coding change: c.1655C>A on transcript NM_001197104.2 (MANE Select); coding-DNA position 1655, C replaced by A.
Protein change: p.Ala552Asp; replaces alanine 552 with aspartic acid.
Molecular consequence: missense variant.
Genome position (GRCh38, 1-based): chr11:118,472,814, C>A. VCF-style: chr11-118472814-C-A. GRCh37 (hg19) VCF-style: chr11-118343529-C-A.
Other names: c.1754C>A, p.Ala585Asp (NM_001412597.1); c.1655C>A, p.Ala552Asp (NM_005933.4); short protein forms A552D, A585D.
Identifiers: ClinVar variation 2119090 (VCV002119090.4), dbSNP rs782660217, ClinGen allele CA382810582.
Genomic context (GRCh38, chr11:118,472,814, plus strand): 5'-CAGTGTCGGAGAGAAGTTTTGGATCTAGAACGACGAAAAAATTATCAACTCTACAAAGTG[C>A]CCCCCAGCAGCAGACCTCCTCGTCTCCACCTCCACCTCTGCTGACTCCACCGCCACCACT-3'
Protein context (NP_001184033.1, residues 542-562): TTKKLSTLQS[Ala552Asp]PQQQTSSSPP